The following is an entry in ClinVar:

ClinVar aggregate classification (germline): Likely benign. Review status: criteria provided, multiple submitters, no conflicts (2 of 4 stars). 5 submissions from 5 submitters: Likely benign (4). 1 of the submissions does not count toward it. Last evaluated 2026-01-26.

Conditions:
Familial sleep-related hypermotor epilepsy. Also called: Autosomal Dominant Sleep-Related Hypermotor (Hyperkinetic) Epilepsy. Identifiers: Orphanet 98784, MedGen C3696898, MONDO:0000030.
CHRNA2-related disorder. Also called: CHRNA2-related condition.
Inborn genetic diseases. Identifiers: MedGen C0950123, MeSH D030342.

Allele frequency attached by ClinVar (database versions not stated): ExAC 0.00007; 1000 Genomes Project 30x 0.00016; 1000 Genomes Project 0.00020; ESP Exome Variant Server 0.00031; gnomAD 0.00039 and 0.00041; TOPMed 0.00051; gnomAD exomes 0.00003 and 0.00005.
gnomAD v4.1: 98 of 1,614,166 alleles (0.0061%); highest among the groups gnomAD compares: African/African-American, 0.11%; 1 homozygote.

Submissions (5):

Labcorp Genetics (formerly Invitae), Labcorp
Classification: Likely benign. Last evaluated: 2026-01-26. Review status: criteria provided, single submitter. Criteria: Invitae Variant Classification Sherloc (09022015). Collection method: clinical testing. Allele origin: germline.

Blueprint Genetics
Classification: Likely benign. Last evaluated: 2024-11-01. Review status: criteria provided, single submitter. Criteria: ACMG Guidelines, 2015. Collection method: clinical testing. Allele origin: germline.

GeneDx
Classification: Likely benign. Last evaluated: 2021-02-24. Review status: criteria provided, single submitter. Criteria: GeneDx Variant Classification Process June 2021. Collection method: clinical testing. Allele origin: germline. Affected: yes.

Ambry Genetics
Classification: Likely benign for Inborn genetic diseases. Last evaluated: 2016-04-26. Review status: criteria provided, single submitter. Criteria: Ambry Variant Classification Scheme 2023. Collection method: clinical testing. Allele origin: germline.

PreventionGenetics, part of Exact Sciences
Classification: Likely benign for CHRNA2-related condition. Last evaluated: 2019-05-03. Review status: no assertion criteria provided. Collection method: clinical testing. Allele origin: germline. Not counted in ClinVar's aggregate classification.
Comment: This variant is classified as likely benign based on ACMG/AMP sequence variant interpretation guidelines (Richards et al. 2015 PMID: 25741868, with internal and published modifications).

NM_000742.4(CHRNA2):c.210C>T (p.Tyr70=)

Gene: CHRNA2 (cholinergic receptor nicotinic alpha 2 subunit; minus strand). Cytogenetic location: 8p21.2.
Variant type: single nucleotide variant.
Coding change: c.210C>T on transcript NM_000742.4 (MANE Select); coding-DNA position 210, C replaced by T.
Protein change: p.Tyr70=; no amino-acid change (tyrosine 70 retained).
Molecular consequence: synonymous variant. On other transcripts: 5 prime UTR variant (4).
Genome position (GRCh38, 1-based): chr8:27,469,845, G>A on the plus strand (C>T on the coding strand, the complement: CHRNA2 is on the minus strand). VCF-style: chr8-27469845-G-A. GRCh37 (hg19) VCF-style: chr8-27327362-G-A.
Other names: c.210C>T, p.Tyr70= (NM_001282455.2); c.-218C>T (NM_001347705.2); c.-263C>T (NM_001347706.2); c.-204C>T (NM_001347707.2); c.-252C>T (NM_001347708.2).
Identifiers: ClinVar variation 377664 (VCV000377664.21), dbSNP rs144316375, ClinGen allele CA4689765.
Genomic context (GRCh38, chr8:27,469,845, plus strand): 5'-CAGTCCAAAGCGCACAATCACCACGTCTGAAGTGTTGGGCACCGGGCGCGCCCAGCGGTT[G>A]TAGCCCCGGAAGAGGTGTTTGAAGAGCCGGTCCTCAGTCTCGGTATGCGAGCCTCCCTGC-3'
Protein context (NP_000733.2, residues 60-80): DRLFKHLFRG[Tyr70=]NRWARPVPNT